The following is an entry in ClinVar:

NM_001367624.2(ZNF469):c.6145C>T (p.Gln2049Ter)

Gene: ZNF469 (zinc finger protein 469; plus strand). Cytogenetic location: 16q24.2.
Variant type: single nucleotide variant.
Coding change: c.6145C>T on transcript NM_001367624.2 (MANE Select); coding-DNA position 6145, C replaced by T.
Protein change: p.Gln2049Ter; replaces glutamine 2049 with a stop codon.
Molecular consequence: nonsense.
Genome position (GRCh38, 1-based): chr16:88,433,615, C>T. VCF-style: chr16-88433615-C-T. GRCh37 (hg19) VCF-style: chr16-88500023-C-T.
Other names: p.Gln2049*; short protein forms Q2049*.
Identifiers: ClinVar variation 4542071 (VCV004542071.1).
Genomic context (GRCh38, chr16:88,433,615, plus strand): 5'-CCCACCGAGGGTGCAGTCCTGCTAGAGAAATGCAAGGGAAGCAGGGCAGCCATGAGCCTT[C>T]AGGAGGAGGCCGAGCCCACCCCAAGCCCCCCGTCCCCTAATAGGGAGTCCCTGGCGCTGG-3'

ClinVar aggregate classification (germline): Likely pathogenic (1 of 4 stars; one submission).

Submission:

Mayo Clinic Laboratories, Mayo Clinic
Classification: Likely pathogenic. Last evaluated: 2025-03-19. Review status: criteria provided, single submitter. Criteria: ACMG Guidelines, 2015. Collection method: clinical testing. Allele origin: germline. Observed: 1 variant allele.
Comment: PM2_supporting, PVS1